The following is an entry in ClinVar:

NM_005633.4(SOS1):c.3598_3599delinsAC (p.Asp1200Thr)

Gene: SOS1 (SOS Ras/Rac guanine nucleotide exchange factor 1; minus strand). Cytogenetic location: 2p22.1.
Variant type: Indel.
Coding change: c.3598_3599delinsAC on transcript NM_005633.4 (MANE Select); coding-DNA positions 3598 to 3599, GA replaced by AC.
Protein change: p.Asp1200Thr; replaces aspartic acid 1200 with threonine.
Molecular consequence: missense variant.
Genome position (GRCh38, 1-based): chr2:38,986,227-38,986,228, TC replaced by GT on the plus strand (GA replaced by AC on the coding strand, the reverse complement: SOS1 is on the minus strand). VCF-style: chr2-38986227-TC-GT. GRCh37 (hg19) VCF-style: chr2-39213368-TC-GT.
Other names: c.3577_3578delinsAC, p.Asp1193Thr (NM_001382394.1); c.3553_3554delinsAC, p.Asp1185Thr (NM_001382395.1); c.3598_3599delGAinsAC (NM_005633.3); short protein forms D1200T, D1185T, D1193T.
Identifiers: ClinVar variation 643891 (VCV000643891.10), dbSNP rs1572796492, ClinGen allele CA915943761.

ClinVar aggregate classification (germline): Uncertain significance. Review status: criteria provided, multiple submitters, no conflicts (2 of 4 stars). 3 submissions from 3 submitters: Uncertain significance (3). Last evaluated 2025-11-23.

Conditions:
Cardiovascular phenotype. Identifiers: MedGen CN230736.
RASopathy. Also called: rasopathies; Noonan spectrum disorder. Identifiers: Orphanet 536391, MedGen C5555857, MONDO:0021060.
Noonan syndrome 4 (NS4). Also called: SOS1-Related Noonan Syndrome; NOONAN SYNDROME WITH PIGMENTED VILLONODULAR SYNOVITIS. Identifiers: Orphanet 648, MedGen C1853120, MONDO:0012547, OMIM 610733.
Fibromatosis, gingival, 1 (GINGF1). Identifiers: Orphanet 2024, MedGen C4551558, MONDO:0007609, OMIM 135300.

Submissions (3):

Labcorp Genetics (formerly Invitae), Labcorp
Classification: Uncertain significance for RASopathy. Last evaluated: 2025-11-23. Review status: criteria provided, single submitter. Criteria: Invitae Variant Classification Sherloc (09022015). Collection method: clinical testing. Allele origin: germline.
Comment: This variant, c.3598_3599delinsAC, is a complex sequence change that results in the deletion of 1 and insertion of 1 amino acid(s) in the SOS1 protein (p.Asp1200Thr). This variant is present in population databases (no rsID available, gnomAD 0.004%). This variant has not been reported in the literature in individuals affected with SOS1-related conditions. ClinVar contains an entry for this variant (Variation ID: 643891). An algorithm developed to predict the effect of missense changes on protein structure and function (PolyPhen-2) suggests that this variant is likely to be tolerated. In summary, the available evidence is currently insufficient to determine the role of this variant in disease. Therefore, it has been classified as a Variant of Uncertain Significance.

Ambry Genetics
Classification: Uncertain significance for Cardiovascular phenotype. Last evaluated: 2024-01-30. Review status: criteria provided, single submitter. Criteria: Ambry Variant Classification Scheme 2023. Collection method: clinical testing. Allele origin: germline.
Comment: The c.3598_3599delGAinsAC variant (also known as p.D1200T), located in coding exon 23 of the SOS1 gene, results from an in-frame deletion of GA and insertion of AC at nucleotide positions 3598 to 3599. This results in the substitution of the aspartic acid residue for a threonine residue at codon 1200, an amino acid with similar properties. This amino acid position is well conserved in available vertebrate species. In addition, this alteration is predicted to be neutral by in silico analysis (Choi Y et al. PLoS ONE. 2012; 7(10):e46688). Based on the available evidence, the clinical significance of this alteration remains unclear.

Fulgent Genetics
Classification: Uncertain significance for Fibromatosis, gingival, 1; Noonan syndrome 4. Last evaluated: 2021-08-17. Review status: criteria provided, single submitter. Criteria: ACMG Guidelines, 2015. Collection method: clinical testing. Allele origin: unknown.